The following is an entry in ClinVar:

NM_030962.4(SBF2):c.645T>C (p.Phe215=)

Gene: SBF2 (SET binding factor 2; minus strand). Cytogenetic location: 11p15.4.
Variant type: single nucleotide variant.
Coding change: c.645T>C on transcript NM_030962.4 (MANE Select); coding-DNA position 645, T replaced by C.
Protein change: p.Phe215=; no amino-acid change (phenylalanine 215 retained).
Molecular consequence: synonymous variant.
Genome position (GRCh38, 1-based): chr11:10,002,664, A>G on the plus strand (T>C on the coding strand, the complement: SBF2 is on the minus strand). VCF-style: chr11-10002664-A-G. GRCh37 (hg19) VCF-style: chr11-10024211-A-G.
Other names: p.Phe215=; c.645T>C, p.Phe215= (NM_001386339.1, NM_001386342.1).
Identifiers: ClinVar variation 301872 (VCV000301872.41), dbSNP rs148187321, ClinGen allele CA5882046.

ClinVar aggregate classification (germline): Benign/Likely benign. Review status: criteria provided, multiple submitters, no conflicts (2 of 4 stars). 7 submissions from 7 submitters: Benign (6); Likely benign (1). Last evaluated 2026-02-02.

Conditions:
Inborn genetic diseases. Identifiers: MedGen C0950123, MeSH D030342.
Charcot-Marie-Tooth disease type 4. Also called: Charcot-Marie-Tooth disease, type IV; Charcot-Marie-Tooth, Type 4. Identifiers: Orphanet 64749, MedGen C4082197, MONDO:0018995.
Charcot-Marie-Tooth disease type 4B2. Also called: CHARCOT-MARIE-TOOTH DISEASE, DEMYELINATING, TYPE 4B2; CHARCOT-MARIE-TOOTH DISEASE, WITH FOCALLY FOLDED MYELIN SHEATHS, AUTOSOMAL RECESSIVE, TYPE 4B2; Charcot-Marie-Tooth Neuropathy Type 4B2; CMT 4B2. Identifiers: Orphanet 99956, MedGen C1858278, MONDO:0011475, OMIM 604563.

Allele frequency attached by ClinVar (database versions not stated): gnomAD exomes 0.00065 and 0.00139; ExAC 0.00152; 1000 Genomes Project 30x 0.00250; 1000 Genomes Project 0.00280; ESP Exome Variant Server 0.00393; gnomAD 0.00451 and 0.00491; TOPMed 0.00526.
gnomAD v4.1: 1,757 of 1,613,514 alleles (0.11%); highest among the groups gnomAD compares: African/African-American, 1.5%; 12 homozygotes.

Submissions (7):

Labcorp Genetics (formerly Invitae), Labcorp
Classification: Benign for Charcot-Marie-Tooth disease type 4. Last evaluated: 2026-02-02. Review status: criteria provided, single submitter. Criteria: Invitae Variant Classification Sherloc (09022015). Collection method: clinical testing. Allele origin: germline.

CeGaT Center for Human Genetics Tuebingen
Classification: Benign. Last evaluated: 2024-02-01. Review status: criteria provided, single submitter. Criteria: CeGaT Center For Human Genetics Tuebingen Variant Classification Criteria Version 2. Collection method: clinical testing. Allele origin: germline. Affected: yes. Observed: 1 variant allele.
Comment: SBF2: BP4, BP7, BS1, BS2

Ambry Genetics
Classification: Likely benign for Inborn genetic diseases. Last evaluated: 2019-07-11. Review status: criteria provided, single submitter. Criteria: Ambry Variant Classification Scheme 2023. Collection method: clinical testing. Allele origin: germline.

Illumina Laboratory Services, Illumina
Classification: Benign for Charcot-Marie-Tooth disease type 4B2. Last evaluated: 2018-01-12. Review status: criteria provided, single submitter. Criteria: ICSL Variant Classification Criteria 13 December 2019. Collection method: clinical testing. Allele origin: germline.
Comment: This variant was observed in the ICSL laboratory as part of a predisposition screen in an ostensibly healthy population. It had not been previously curated by ICSL or reported in the Human Gene Mutation Database (HGMD: prior to June 1st, 2018), and was therefore a candidate for classification through an automated scoring system. Utilizing variant allele frequency, disease prevalence and penetrance estimates, and inheritance mode, an automated score was calculated to assess if this variant is too frequent to cause the disease. Based on the score and internal cut-off values, a variant classified as benign is not then subjected to further curation. The score for this variant resulted in a classification of benign for this disease.

Mayo Clinic Laboratories, Mayo Clinic
Classification: Benign. Last evaluated: 2016-10-10. Review status: criteria provided, single submitter. Criteria: ACMG Guidelines, 2015. Collection method: clinical testing. Allele origin: germline. Observed: 4 variant alleles.

GeneDx
Classification: Benign. Last evaluated: 2015-03-20. Review status: criteria provided, single submitter. Criteria: GeneDx Variant Classification (06012015). Collection method: clinical testing. Allele origin: germline. Affected: yes.
Comment: This variant is considered likely benign or benign based on one or more of the following criteria: it is a conservative change, it occurs at a poorly conserved position in the protein, it is predicted to be benign by multiple in silico algorithms, and/or has population frequency not consistent with disease.

Breakthrough Genomics
Classification: Benign. Review status: criteria provided, single submitter. Criteria: ACMG Guidelines, 2015. Collection method: not provided. Allele origin: germline. Inheritance: Autosomal recessive inheritance. Affected: yes.